The following is an entry in ClinVar:

ClinVar aggregate classification (germline): Uncertain significance. Review status: criteria provided, multiple submitters, no conflicts (2 of 4 stars). 2 submissions from 2 submitters: Uncertain significance (2). Last evaluated 2026-01-21.

Conditions:
MLH3-related disorder. Also called: MLH3-related condition.

Submissions (2):

Ambry Genetics
Classification: Uncertain significance. Last evaluated: 2026-01-21. Review status: criteria provided, single submitter. Criteria: Ambry Variant Classification Scheme 2023. Collection method: clinical testing. Allele origin: germline.
Comment: The p.P1398S variant (also known as c.4192C>T), located in coding exon 11 of the MLH3 gene, results from a C to T substitution at nucleotide position 4192. The proline at codon 1398 is replaced by serine, an amino acid with similar properties. This amino acid position is conserved. In addition, this alteration is predicted to be deleterious by in silico analysis. Based on the available evidence, the clinical significance of this variant remains unclear.

PreventionGenetics, part of Exact Sciences
Classification: Uncertain significance for MLH3-related condition. Last evaluated: 2023-01-27. Review status: criteria provided, single submitter. Criteria: ACMG Guidelines, 2015. Collection method: clinical testing. Allele origin: germline.
Comment: The MLH3 c.4192C>T variant is predicted to result in the amino acid substitution p.Pro1398Ser. To our knowledge, this variant has not been reported in the literature or in a large population database, indicating this variant is rare. At this time, the clinical significance of this variant is uncertain due to the absence of conclusive functional and genetic evidence.

NM_001040108.2(MLH3):c.4192C>T (p.Pro1398Ser)

Gene: MLH3 (mutL homolog 3; minus strand). Cytogenetic location: 14q24.3.
Variant type: single nucleotide variant.
Coding change: c.4192C>T on transcript NM_001040108.2 (MANE Select); coding-DNA position 4192, C replaced by T.
Protein change: p.Pro1398Ser; replaces proline 1398 with serine.
Molecular consequence: missense variant.
Genome position (GRCh38, 1-based): chr14:75,018,879, G>A on the plus strand (C>T on the coding strand, the complement: MLH3 is on the minus strand). VCF-style: chr14-75018879-G-A. GRCh37 (hg19) VCF-style: chr14-75485582-G-A.
Other names: c.4120C>T, p.Pro1374Ser (NM_014381.3); short protein forms P1374S, P1398S.
Identifiers: ClinVar variation 2629762 (VCV002629762.2), dbSNP rs1364994373, ClinGen allele CA390418848.